The following is an entry in ClinVar:

ClinVar aggregate classification (germline): Uncertain significance (1 of 4 stars; one submission).

Conditions:
SEMA3B-related disorder. Also called: SEMA3B-related condition.

Allele frequency attached by ClinVar (database versions not stated): gnomAD 0.00009; ExAC 0.00011; TOPMed 0.00015; ESP Exome Variant Server 0.00016.
gnomAD v4.1: 138 of 1,610,278 alleles (0.0086%); highest among the groups gnomAD compares: Admixed American, 0.032%; 1 homozygote.

Submission:

PreventionGenetics, part of Exact Sciences
Classification: Uncertain significance for SEMA3B-related condition. Last evaluated: 2026-04-19. Review status: criteria provided, single submitter. Criteria: ACMG Guidelines, 2015. Collection method: clinical testing. Allele origin: germline.
Comment: The SEMA3B c.197G>A variant is predicted to result in the amino acid substitution p.Arg66His. To our knowledge, this variant has not been reported in the literature. This variant is reported in 0.040% of alleles in individuals of Latino descent in gnomAD. At this time, the clinical significance of this variant is uncertain due to the absence of conclusive functional and genetic evidence.

NM_001290060.2(SEMA3B):c.197G>A (p.Arg66His)

Gene: SEMA3B (semaphorin 3B; plus strand). Cytogenetic location: 3p21.31.
Variant type: single nucleotide variant.
Coding change: c.197G>A on transcript NM_001290060.2 (MANE Select); coding-DNA position 197, G replaced by A.
Protein change: p.Arg66His; replaces arginine 66 with histidine.
Molecular consequence: missense variant.
Genome position (GRCh38, 1-based): chr3:50,270,214, G>A. VCF-style: chr3-50270214-G-A. GRCh37 (hg19) VCF-style: chr3-50307645-G-A.
Other names: c.197G>A, p.Arg66His (NM_001005914.3, NM_001290061.1, NM_004636.4); short protein forms R66H.
Identifiers: ClinVar variation 2632087 (VCV002632087.4), dbSNP rs200715175, ClinGen allele CA2413671.
Genomic context (GRCh38, chr3:50,270,214, plus strand): 5'-CTTTCAGCCTGGAGCGAACCTGCTGCTACCAGGCCTTGCTGGTGGATGAGGAGCGTGGAC[G>A]CCTGTTTGTGGGTGCCGAGAACCATGTGGCCTCCCTCAACCTGGACAACATCAGCAAGCG-3'
Protein context (NP_001276989.1, residues 56-76): QALLVDEERG[Arg66His]LFVGAENHVA